The following is an entry in ClinVar:

NM_173660.5(DOK7):c.652+50G>A

Gene: DOK7 (docking protein 7; plus strand). Cytogenetic location: 4p16.3.
Variant type: single nucleotide variant.
Coding change: c.652+50G>A on transcript NM_173660.5 (MANE Select); 50 bases into the intron after coding-DNA position 652, G replaced by A.
Molecular consequence: intron variant.
Genome position (GRCh38, 1-based): chr4:3,485,708, G>A. VCF-style: chr4-3485708-G-A. GRCh37 (hg19) VCF-style: chr4-3487435-G-A.
Other names: c.652+50G>A (NM_001301071.2); c.220+50G>A (NM_001363811.2); c.641+50G>A (NM_001164673.2); c.-279+50G>A (NM_001256896.2).
Identifiers: ClinVar variation 262884 (VCV000262884.3), dbSNP rs2006802, ClinGen allele CA2829120.
Genomic context (GRCh38, chr4:3,485,708, plus strand): 5'-GGTTCTACCAGGTGCGTGTGGGAGCCTGGCCGGCCGGGGAGGGTGCGCTCGGCAGGCTGT[G>A]CGACGTCCCGGGGCGGGGGGCCACAGTGATTTGTCAGCCCCAGTTAGATGGCCAGCCTCC-3'

ClinVar aggregate classification (germline): Benign/Likely benign. Review status: criteria provided, multiple submitters, no conflicts (2 of 4 stars). 3 submissions from 3 submitters: Benign (1); Likely benign (2). Last evaluated 2018-06-19.

Allele frequency attached by ClinVar (database versions not stated): gnomAD exomes 0.00795 and 0.01711; ExAC 0.02540; ESP Exome Variant Server 0.06469; gnomAD 0.06511 and 0.06939; TOPMed 0.07244; 1000 Genomes Project 0.07688; 1000 Genomes Project 30x 0.08432.
gnomAD v4.1: 20,915 of 1,475,030 alleles (1.4%); highest among the groups gnomAD compares: African/African-American, 22%; 1,773 homozygotes.

Submissions (3):

GeneDx
Classification: Benign. Last evaluated: 2018-06-19. Review status: criteria provided, single submitter. Criteria: GeneDx Variant Classification (06012015). Collection method: clinical testing. Allele origin: germline. Affected: yes.
Comment: This variant is considered likely benign or benign based on one or more of the following criteria: it is a conservative change, it occurs at a poorly conserved position in the protein, it is predicted to be benign by multiple in silico algorithms, and/or has population frequency not consistent with disease.

Breakthrough Genomics
Classification: Likely benign. Review status: criteria provided, single submitter. Criteria: ACMG Guidelines, 2015. Collection method: not provided. Allele origin: germline. Inheritance: Autosomal recessive inheritance. Affected: yes.

PreventionGenetics, part of Exact Sciences
Classification: Likely benign. Review status: criteria provided, single submitter. Criteria: ACMG Guidelines, 2015. Collection method: clinical testing. Allele origin: germline.